The following is an entry in ClinVar:

NM_000081.4(LYST):c.5437A>G (p.Ile1813Val)

Gene: LYST (lysosomal trafficking regulator; minus strand). Cytogenetic location: 1q42.3.
Variant type: single nucleotide variant.
Coding change: c.5437A>G on transcript NM_000081.4 (MANE Select); coding-DNA position 5437, A replaced by G.
Protein change: p.Ile1813Val; replaces isoleucine 1813 with valine.
Molecular consequence: missense variant.
Genome position (GRCh38, 1-based): chr1:235,777,086, T>C on the plus strand (A>G on the coding strand, the complement: LYST is on the minus strand). VCF-style: chr1-235777086-T-C. GRCh37 (hg19) VCF-style: chr1-235940386-T-C.
Other names: c.5437A>G, p.Ile1813Val (NM_001301365.1); short protein forms I1813V.
Identifiers: ClinVar variation 1391915 (VCV001391915.3), dbSNP rs950092196, ClinGen allele CA344952522.

ClinVar aggregate classification (germline): Uncertain significance. Review status: criteria provided, multiple submitters, no conflicts (2 of 4 stars). 2 submissions from 2 submitters: Uncertain significance (2). Last evaluated 2021-10-16.

Conditions:
Chédiak-Higashi syndrome (CHS). Also called: Chediak-Higashi Syndrome. Identifiers: Orphanet 167, MedGen C0007965, MONDO:0008963, OMIM 214500.

gnomAD v4.1: 6 of 1,613,568 alleles (0.00037%); highest among the groups gnomAD compares: South Asian, 0.0011%; no homozygotes.

Submissions (2):

Labcorp Genetics (formerly Invitae), Labcorp
Classification: Uncertain significance for Chédiak-Higashi syndrome. Last evaluated: 2021-10-16. Review status: criteria provided, single submitter. Criteria: Invitae Variant Classification Sherloc (09022015). Collection method: clinical testing. Allele origin: germline.
Comment: This sequence change replaces isoleucine with valine at codon 1813 of the LYST protein (p.Ile1813Val). The isoleucine residue is weakly conserved and there is a small physicochemical difference between isoleucine and valine. This variant is not present in population databases (ExAC no frequency). This variant has not been reported in the literature in individuals affected with LYST-related conditions. Algorithms developed to predict the effect of missense changes on protein structure and function output the following: SIFT: "Tolerated"; PolyPhen-2: "Benign"; Align-GVGD: "Class C0". The valine amino acid residue is found in multiple mammalian species, which suggests that this missense change does not adversely affect protein function. In summary, the available evidence is currently insufficient to determine the role of this variant in disease. Therefore, it has been classified as a Variant of Uncertain Significance.

Breakthrough Genomics
Classification: Uncertain significance. Review status: criteria provided, single submitter. Criteria: ACMG Guidelines, 2015. Collection method: not provided. Allele origin: germline. Inheritance: Autosomal recessive inheritance. Affected: yes.